The following is an entry in ClinVar:

NM_173551.5(ANKS6):c.2593C>T (p.Pro865Ser)

Gene: ANKS6 (ankyrin repeat and sterile alpha motif domain containing 6; minus strand). Cytogenetic location: 9q22.33.
Variant type: single nucleotide variant.
Coding change: c.2593C>T on transcript NM_173551.5 (MANE Select); coding-DNA position 2593, C replaced by T.
Protein change: p.Pro865Ser; replaces proline 865 with serine.
Molecular consequence: missense variant.
Genome position (GRCh38, 1-based): chr9:98,736,542, G>A on the plus strand (C>T on the coding strand, the complement: ANKS6 is on the minus strand). VCF-style: chr9-98736542-G-A. GRCh37 (hg19) VCF-style: chr9-101498824-G-A.
Other names: short protein forms P865S.
Identifiers: ClinVar variation 390055 (VCV000390055.14), dbSNP rs199851177, ClinGen allele CA5153094.

ClinVar aggregate classification (germline): Conflicting classifications of pathogenicity. Review status: criteria provided, conflicting classifications (1 of 4 stars). 3 submissions from 3 submitters: Uncertain significance (1); Benign (1); Likely benign (1). Last evaluated 2025-12-30.

Conditions:
Nephronophthisis 16 (NPHP16). Identifiers: Orphanet 655, MedGen C3809320, MONDO:0014158, OMIM 615382.

Allele frequency attached by ClinVar (database versions not stated): gnomAD 0.00043 and 0.00058; gnomAD exomes 0.00047 and 0.00113; TOPMed 0.00059; 1000 Genomes Project 30x 0.00109; ExAC 0.00119; 1000 Genomes Project 0.00140.
gnomAD v4.1: 792 of 1,612,498 alleles (0.049%); highest among the groups gnomAD compares: East Asian, 0.99%; 7 homozygotes.

Submissions (3):

Labcorp Genetics (formerly Invitae), Labcorp
Classification: Benign for Nephronophthisis 16. Last evaluated: 2025-12-30. Review status: criteria provided, single submitter. Criteria: Invitae Variant Classification Sherloc (09022015). Collection method: clinical testing. Allele origin: germline.

Blueprint Genetics
Classification: Likely benign. Last evaluated: 2024-11-22. Review status: criteria provided, single submitter. Criteria: ACMG Guidelines, 2015. Collection method: clinical testing. Allele origin: germline.

GeneDx
Classification: Uncertain significance. Last evaluated: 2016-10-20. Review status: criteria provided, single submitter. Criteria: GeneDx Variant Classification (06012015). Collection method: clinical testing. Allele origin: germline. Affected: yes.
Comment: The P865S variant in the ANKS6 gene has not been reported previously as a pathogenic variant, nor as a benign variant, to our knowledge. Although not present in the homozygous state, the P865S variant was observed on 97 of 7922 alleles (1.2%) from individuals of East Asian background, in the Exome Aggregation Consortium (ExAC) data set, indicating it may be a rare variant in this population. The P865S variant is a non-conservative amino acid substitution, which is likely to impact secondary protein structure as these residues differ in polarity, charge, size and/or other properties. This substitution also occurs at a position that is conserved across species, and in silico analysis predicts this variant is probably damaging to the protein structure/function. We interpret P865S as a variant of uncertain significance.